The following is an entry in ClinVar:

ClinVar aggregate classification (germline): Uncertain significance (1 of 4 stars; one submission).

Conditions:
Autosomal dominant nonsyndromic hearing loss 1. Also called: DEAFNESS, AUTOSOMAL DOMINANT 1, WITH OR WITHOUT THROMBOCYTOPENIA; KONIGSMARK SYNDROME. Identifiers: Orphanet 90635, MedGen C1852282, MONDO:0007424, OMIM 124900.
Progressive microcephaly-seizures-cortical blindness-developmental delay syndrome. Also called: Seizures, cortical blindness, and microcephaly syndrome. Identifiers: Orphanet 477814, MedGen C5567650, MONDO:0014714, OMIM 616632.

Allele frequency attached by ClinVar (database versions not stated): gnomAD exomes below 0.00001.
gnomAD v4.1: 1 of 1,613,732 alleles (0.000062%); highest among the groups gnomAD compares: Non-Finnish European, 0.000085%; no homozygotes.

Submission:

Labcorp Genetics (formerly Invitae), Labcorp
Classification: Uncertain significance for Progressive microcephaly-seizures-cortical blindness-developmental delay syndrome; Autosomal dominant nonsyndromic hearing loss 1. Last evaluated: 2022-06-20. Review status: criteria provided, single submitter. Criteria: Invitae Variant Classification Sherloc (09022015). Collection method: clinical testing. Allele origin: germline.
Comment: In summary, the available evidence is currently insufficient to determine the role of this variant in disease. Therefore, it has been classified as a Variant of Uncertain Significance. Algorithms developed to predict the effect of missense changes on protein structure and function are either unavailable or do not agree on the potential impact of this missense change (SIFT: "Tolerated"; PolyPhen-2: "Not Available"; Align-GVGD: "Class C0"). This variant has not been reported in the literature in individuals affected with DIAPH1-related conditions. This variant is not present in population databases (gnomAD no frequency). This sequence change replaces proline, which is neutral and non-polar, with leucine, which is neutral and non-polar, at codon 741 of the DIAPH1 protein (p.Pro741Leu).

NM_005219.5(DIAPH1):c.2222C>T (p.Pro741Leu)

Gene: DIAPH1 (diaphanous related formin 1; minus strand). Cytogenetic location: 5q31.3.
Variant type: single nucleotide variant.
Coding change: c.2222C>T on transcript NM_005219.5 (MANE Select); coding-DNA position 2222, C replaced by T.
Protein change: p.Pro741Leu; replaces proline 741 with leucine.
Molecular consequence: missense variant.
Genome position (GRCh38, 1-based): chr5:141,573,628, G>A on the plus strand (C>T on the coding strand, the complement: DIAPH1 is on the minus strand). VCF-style: chr5-141573628-G-A. GRCh37 (hg19) VCF-style: chr5-140953195-G-A.
Other names: c.2195C>T, p.Pro732Leu (NM_001079812.3); c.2222C>T, p.Pro741Leu (NM_001314007.2); short protein forms P741L, P732L.
Identifiers: ClinVar variation 2005360 (VCV002005360.4), dbSNP rs2099895525, ClinGen allele CA361517157.
Genomic context (GRCh38, chr5:141,573,628, plus strand): 5'-GGGGCTGCAGGAACTCCAAATCCAAATGGGGGAGGTGGAGGCATACCCATTCCGGGTGGA[G>A]GTGGAGGAATGCCAGGGCCTCCGGGAAATGGAGGAGGTGGAGGGATTCCAGGACCACCAG-3'
Protein context (NP_005210.3, residues 731-751): PFPGGPGIPP[Pro741Leu]PPGMGMPPPP